The following is an entry in ClinVar:

NM_004655.4(AXIN2):c.2003G>A (p.Gly668Glu)

Gene: AXIN2 (axin 2; minus strand). Cytogenetic location: 17q24.1.
Variant type: single nucleotide variant.
Coding change: c.2003G>A on transcript NM_004655.4 (MANE Select); coding-DNA position 2003, G replaced by A.
Protein change: p.Gly668Glu; replaces glycine 668 with glutamic acid.
Molecular consequence: missense variant.
Genome position (GRCh38, 1-based): chr17:65,536,458, C>T on the plus strand (G>A on the coding strand, the complement: AXIN2 is on the minus strand). VCF-style: chr17-65536458-C-T. GRCh37 (hg19) VCF-style: chr17-63532576-C-T.
Other names: c.1808G>A, p.Gly603Glu (NM_001363813.1); short protein forms G668E, G603E.
Identifiers: ClinVar variation 820510 (VCV000820510.5), dbSNP rs1598096936, ClinGen allele CA400676172.

ClinVar aggregate classification (germline): Uncertain significance (1 of 4 stars; one submission).

Conditions:
Hereditary cancer-predisposing syndrome. Also called: Neoplastic Syndromes, Hereditary; Tumor predisposition; Hereditary Cancer Syndrome; Hereditary neoplastic syndrome. Identifiers: Orphanet 140162, MedGen C0027672, MeSH D009386, MONDO:0015356.

Submission:

Ambry Genetics
Classification: Uncertain significance for Hereditary cancer-predisposing syndrome. Last evaluated: 2025-04-03. Review status: criteria provided, single submitter. Criteria: Ambry Variant Classification Scheme 2023. Collection method: clinical testing. Allele origin: germline.
Comment: The p.G668E variant (also known as c.2003G>A), located in coding exon 7 of the AXIN2 gene, results from a G to A substitution at nucleotide position 2003. The glycine at codon 668 is replaced by glutamic acid, an amino acid with similar properties. This amino acid position is well conserved in available vertebrate species. In addition, this alteration is predicted to be tolerated by in silico analysis. Based on the available evidence, the clinical significance of this variant remains unclear.